The following is an entry in ClinVar:

ClinVar aggregate classification (germline): Uncertain significance (1 of 4 stars; one submission).

Conditions:
Neurodevelopmental disorder with hypotonia, stereotypic hand movements, and impaired language. Also called: Intellectual disability, autosomal dominant 20. Identifiers: Orphanet 228384, Orphanet 664410, MedGen C3150700, MONDO:0013266, OMIM 613443.

Submission:

Labcorp Genetics (formerly Invitae), Labcorp
Classification: Uncertain significance for Neurodevelopmental disorder with hypotonia, stereotypic hand movements, and impaired language. Last evaluated: 2024-04-29. Review status: criteria provided, single submitter. Criteria: Invitae Variant Classification Sherloc (09022015). Collection method: clinical testing. Allele origin: germline.
Comment: This sequence change replaces serine, which is neutral and polar, with phenylalanine, which is neutral and non-polar, at codon 381 of the MEF2C protein (p.Ser381Phe). This variant is not present in population databases (gnomAD no frequency). This variant has not been reported in the literature in individuals affected with MEF2C-related conditions. Advanced modeling of protein sequence and biophysical properties (such as structural, functional, and spatial information, amino acid conservation, physicochemical variation, residue mobility, and thermodynamic stability) has been performed at Invitae for this missense variant, however the output from this modeling did not meet the statistical confidence thresholds required to predict the impact of this variant on MEF2C protein function. In summary, the available evidence is currently insufficient to determine the role of this variant in disease. Therefore, it has been classified as a Variant of Uncertain Significance.

NM_002397.5(MEF2C):c.1142C>T (p.Ser381Phe)

Gene: MEF2C (myocyte enhancer factor 2C; minus strand). Cytogenetic location: 5q14.3.
Variant type: single nucleotide variant.
Coding change: c.1142C>T on transcript NM_002397.5 (MANE Select); coding-DNA position 1142, C replaced by T.
Protein change: p.Ser381Phe; replaces serine 381 with phenylalanine.
Molecular consequence: missense variant. On other transcripts: intron variant (24).
Genome position (GRCh38, 1-based): chr5:88,722,884, G>A on the plus strand (C>T on the coding strand, the complement: MEF2C is on the minus strand). VCF-style: chr5-88722884-G-A. GRCh37 (hg19) VCF-style: chr5-88018701-G-A.
Other names: c.1112C>T, p.Ser371Phe (NM_001131005.2); c.1172C>T, p.Ser391Phe (NM_001193347.1); c.974C>T, p.Ser325Phe (NM_001193348.1); c.1142C>T, p.Ser381Phe (NM_001193350.2, NM_001364329.2, NM_001364330.2 and 1 more transcripts); c.1118C>T, p.Ser373Phe (NM_001308002.3, NM_001364333.2); c.998C>T, p.Ser333Phe (NM_001364344.2); c.764C>T, p.Ser255Phe (NM_001364353.2); c.1101-55C>T (NM_001364334.2, NM_001364335.2, NM_001364337.2 and 2 more transcripts); and 10 more; short protein forms S333F, S373F, S391F, S255F, S381F, S325F, S371F.
Identifiers: ClinVar variation 3651454 (VCV003651454.2).